The following is an entry in ClinVar:

NM_058216.3(RAD51C):c.985T>C (p.Ser329Pro)

Gene: RAD51C (RAD51 paralog C; plus strand). Cytogenetic location: 17q22.
Variant type: single nucleotide variant.
Coding change: c.985T>C on transcript NM_058216.3 (MANE Select); coding-DNA position 985, T replaced by C.
Protein change: p.Ser329Pro; replaces serine 329 with proline.
Molecular consequence: missense variant. On other transcripts: non-coding transcript variant (1).
Genome position (GRCh38, 1-based): chr17:58,732,503, T>C. VCF-style: chr17-58732503-T-C. GRCh37 (hg19) VCF-style: chr17-56809864-T-C.
Other names: short protein forms S329P.
Identifiers: ClinVar variation 5027803 (VCV005027803.1).
Genomic context (GRCh38, chr17:58,732,503, plus strand): 5'-GTTCATGTGTTTGTATGTATTTATTCTTTTTCTTTAAGCAGGTTGGCAACATTGTACAAG[T>C]CACCCAGCCAGAAGGAATGCACAGTACTGTTTCAAATCAAAGTCAGTATTATTTGATTAG-3'
Protein context (NP_478123.1, residues 319-339): RKQRLATLYK[Ser329Pro]PSQKECTVLF

ClinVar aggregate classification (germline): Uncertain significance (1 of 4 stars; one submission).

Conditions:
Hereditary cancer-predisposing syndrome. Also called: Neoplastic Syndromes, Hereditary; Tumor predisposition; Hereditary neoplastic syndrome; Hereditary Cancer Syndrome. Identifiers: Orphanet 140162, MedGen C0027672, MeSH D009386, MONDO:0015356.

Submission:

Ambry Genetics
Classification: Uncertain significance for Hereditary cancer-predisposing syndrome. Last evaluated: 2026-07-09. Review status: criteria provided, single submitter. Criteria: Ambry Variant Classification Scheme 2023. Collection method: clinical testing. Allele origin: germline.
Comment: The p.S329P variant (also known as c.985T>C), located in coding exon 8 of the RAD51C gene, results from a T to C substitution at nucleotide position 985. The serine at codon 329 is replaced by proline, an amino acid with similar properties. In a homology-directed DNA repair (HDR) assay, this alteration showed a functionally abnormal read-out (Olvera-Le&oacute;n R et al. Cell, 2024 Oct;187:5719-5734.e19). This amino acid position is highly conserved in available vertebrate species. In addition, the in silico prediction for this alteration is inconclusive. Based on the available evidence, the clinical significance of this variant remains unclear.

Literature cited by the submitters: PubMed 39299233.